The following is an entry in ClinVar:

ClinVar aggregate classification (germline): Uncertain significance. Review status: criteria provided, multiple submitters, no conflicts (2 of 4 stars). 5 submissions from 5 submitters: Uncertain significance (5). Last evaluated 2024-03-17.

Conditions:
Hereditary cancer-predisposing syndrome. Also called: Neoplastic Syndromes, Hereditary; Tumor predisposition; Hereditary Cancer Syndrome; Hereditary neoplastic syndrome. Identifiers: Orphanet 140162, MedGen C0027672, MeSH D009386, MONDO:0015356.
Microcephaly, normal intelligence and immunodeficiency (NBS). Also called: IMMUNODEFICIENCY, MICROCEPHALY, AND CHROMOSOMAL INSTABILITY; BERLIN BREAKAGE SYNDROME; Nijmegen breakage syndrome; Microcephaly with normal intelligence immunodeficiency and lymphoreticular malignancies; Nonsyndromal microcephaly autosomal recessive with normal intelligence; Seemanova syndrome 2. Identifiers: Orphanet 647, MedGen C0398791, MONDO:0009623, OMIM 251260.

Submissions (5):

Ambry Genetics
Classification: Uncertain significance for Hereditary cancer-predisposing syndrome. Last evaluated: 2024-03-17. Review status: criteria provided, single submitter. Criteria: Ambry Variant Classification Scheme 2023. Collection method: clinical testing. Allele origin: germline.
Comment: The p.Q279R variant (also known as c.836A>G), located in coding exon 7 of the NBN gene, results from an A to G substitution at nucleotide position 836. The glutamine at codon 279 is replaced by arginine, an amino acid with highly similar properties. This amino acid position is highly conserved in available vertebrate species. In addition, the in silico prediction for this alteration is inconclusive. Since supporting evidence is limited at this time, the clinical significance of this alteration remains unclear.

Blueprint Genetics
Classification: Uncertain significance. Last evaluated: 2022-12-22. Review status: criteria provided, single submitter. Criteria: ACMG Guidelines, 2015. Collection method: clinical testing. Allele origin: germline.

Labcorp Genetics (formerly Invitae), Labcorp
Classification: Uncertain significance for Microcephaly, normal intelligence and immunodeficiency. Last evaluated: 2022-04-29. Review status: criteria provided, single submitter. Criteria: Invitae Variant Classification Sherloc (09022015). Collection method: clinical testing. Allele origin: germline.
Comment: This sequence change replaces glutamine, which is neutral and polar, with arginine, which is basic and polar, at codon 279 of the NBN protein (p.Gln279Arg). This variant is not present in population databases (gnomAD no frequency). This variant has not been reported in the literature in individuals affected with NBN-related conditions. ClinVar contains an entry for this variant (Variation ID: 835878). Algorithms developed to predict the effect of missense changes on protein structure and function are either unavailable or do not agree on the potential impact of this missense change (SIFT: "Deleterious"; PolyPhen-2: "Possibly Damaging"; Align-GVGD: "Class C0"). In summary, the available evidence is currently insufficient to determine the role of this variant in disease. Therefore, it has been classified as a Variant of Uncertain Significance.

GeneDx
Classification: Uncertain significance. Last evaluated: 2022-01-18. Review status: criteria provided, single submitter. Criteria: GeneDx Variant Classification Process June 2021. Collection method: clinical testing. Allele origin: germline. Affected: yes.
Comment: Not observed in large population cohorts (gnomAD); In silico analysis supports that this missense variant has a deleterious effect on protein structure/function; Has not been previously published as pathogenic or benign to our knowledge; This variant is associated with the following publications: (PMID: 24894818)

Genome-Nilou Lab
Classification: Uncertain significance for Microcephaly, normal intelligence and immunodeficiency. Last evaluated: 2021-11-07. Review status: criteria provided, single submitter. Criteria: ACMG Guidelines, 2015. Collection method: clinical testing. Allele origin: germline. Affected: no.

NM_002485.5(NBN):c.836A>G (p.Gln279Arg)

Gene: NBN (nibrin; minus strand). Cytogenetic location: 8q21.3.
Variant type: single nucleotide variant.
Coding change: c.836A>G on transcript NM_002485.5 (MANE Select); coding-DNA position 836, A replaced by G.
Protein change: p.Gln279Arg; replaces glutamine 279 with arginine.
Molecular consequence: missense variant.
Genome position (GRCh38, 1-based): chr8:89,970,424, T>C on the plus strand (A>G on the coding strand, the complement: NBN is on the minus strand). VCF-style: chr8-89970424-T-C. GRCh37 (hg19) VCF-style: chr8-90982652-T-C.
Other names: c.590A>G, p.Gln197Arg (NM_001024688.3); short protein forms Q279R, Q197R.
Identifiers: ClinVar variation 835878 (VCV000835878.15), dbSNP rs864622116, ClinGen allele CA371658484.
Genomic context (GRCh38, chr8:89,970,424, plus strand): 5'-CTTTGGAGCATATCCATTATTGACTGAATCCATTTCTTCTGACAGTCAGGAATTAAGGTC[T>C]GTGAGTTTGTTATTCCTGTATCAACAACACACGTTCCCGGAGCCAAAAAGAAATTATGTT-3'
Protein context (NP_002476.2, residues 269-289): CVVDTGITNS[Gln279Arg]TLIPDCQKKW